The following is an entry in ClinVar:

ClinVar aggregate classification (germline): Benign/Likely benign. Review status: criteria provided, multiple submitters, no conflicts (2 of 4 stars). 2 submissions from 2 submitters: Benign (1); Likely benign (1). Last evaluated 2025-05-09.

Conditions:
Hereditary cancer-predisposing syndrome. Also called: Hereditary Cancer Syndrome; Tumor predisposition; Hereditary neoplastic syndrome; Neoplastic Syndromes, Hereditary. Identifiers: Orphanet 140162, MedGen C0027672, MeSH D009386, MONDO:0015356.
Familial adenomatous polyposis 1 (FAP1). Also called: FAMILIAL ADENOMATOUS POLYPOSIS 1, ATTENUATED; POLYPOSIS, ADENOMATOUS INTESTINAL. Identifiers: MedGen C2713442, MONDO:0021056, OMIM 175100. Disease mechanism: loss of function.

Submissions (2):

Ambry Genetics
Classification: Likely benign for Hereditary cancer-predisposing syndrome. Last evaluated: 2025-05-09. Review status: criteria provided, single submitter. Criteria: Ambry Variant Classification Scheme 2023. Collection method: clinical testing. Allele origin: germline.

Myriad Genetics, Inc.
Classification: Benign for Familial adenomatous polyposis 1. Last evaluated: 2024-04-02. Review status: criteria provided, single submitter. Criteria: Myriad Autosomal Dominant, Autosomal Recessive and X-Linked Classification Criteria (2023). Collection method: clinical testing. Allele origin: unknown.
Comment: This variant is considered benign. This variant is a silent/synonymous amino acid change and it is not expected to impact splicing.

NM_000038.6(APC):c.5700A>G (p.Leu1900=)

Gene: APC (APC regulator of Wnt signaling pathway; plus strand). Cytogenetic location: 5q22.2.
Variant type: single nucleotide variant.
Coding change: c.5700A>G on transcript NM_000038.6 (MANE Select); coding-DNA position 5700, A replaced by G.
Protein change: p.Leu1900=; no amino-acid change (leucine 1900 retained).
Molecular consequence: synonymous variant. On other transcripts: non-coding transcript variant (2).
Genome position (GRCh38, 1-based): chr5:112,841,294, A>G. VCF-style: chr5-112841294-A-G. GRCh37 (hg19) VCF-style: chr5-112176991-A-G.
Other names: c.5700A>G, p.Leu1900= (NM_001127510.3, NM_001354895.2, NM_001407450.1); c.5646A>G, p.Leu1882= (NM_001127511.3); c.5754A>G, p.Leu1918= (NM_001354896.2, NM_001407447.1, NM_001407448.1 and 1 more transcripts); c.5730A>G, p.Leu1910= (NM_001354897.2); c.5625A>G, p.Leu1875= (NM_001354898.2); c.5616A>G, p.Leu1872= (NM_001354899.2); c.5577A>G, p.Leu1859= (NM_001354900.2); c.5523A>G, p.Leu1841= (NM_001354901.2, NM_001407453.1); and 12 more.
Identifiers: ClinVar variation 3254163 (VCV003254163.2), dbSNP rs1766015423.